The following is an entry in ClinVar:

NM_001378778.1(MPDZ):c.2239C>T (p.Pro747Ser)

Gene: MPDZ (multiple PDZ domain crumbs cell polarity complex component; minus strand). Cytogenetic location: 9p23.
Variant type: single nucleotide variant.
Coding change: c.2239C>T on transcript NM_001378778.1 (MANE Select); coding-DNA position 2239, C replaced by T.
Protein change: p.Pro747Ser; replaces proline 747 with serine.
Molecular consequence: missense variant.
Genome position (GRCh38, 1-based): chr9:13,188,909, G>A on the plus strand (C>T on the coding strand, the complement: MPDZ is on the minus strand). VCF-style: chr9-13188909-G-A. GRCh37 (hg19) VCF-style: chr9-13188908-G-A.
Other names: c.2239C>T, p.Pro747Ser (NM_001375422.1, NM_001375423.1, NM_001375424.1 and 14 more transcripts); short protein forms P747S.
Identifiers: ClinVar variation 2069792 (VCV002069792.4), dbSNP rs2494070661, ClinGen allele CA372937632.

ClinVar aggregate classification (germline): Uncertain significance (1 of 4 stars; one submission).

Submission:

Labcorp Genetics (formerly Invitae), Labcorp
Classification: Uncertain significance. Last evaluated: 2022-01-02. Review status: criteria provided, single submitter. Criteria: Invitae Variant Classification Sherloc (09022015). Collection method: clinical testing. Allele origin: germline.
Comment: In summary, the available evidence is currently insufficient to determine the role of this variant in disease. Therefore, it has been classified as a Variant of Uncertain Significance. Algorithms developed to predict the effect of missense changes on protein structure and function (SIFT, PolyPhen-2, Align-GVGD) all suggest that this variant is likely to be disruptive. This variant has not been reported in the literature in individuals affected with MPDZ-related conditions. This variant is not present in population databases (gnomAD no frequency). This sequence change replaces proline, which is neutral and non-polar, with serine, which is neutral and polar, at codon 747 of the MPDZ protein (p.Pro747Ser).